The following is an entry in ClinVar:

ClinVar aggregate classification (germline): Likely benign. Review status: criteria provided, multiple submitters, no conflicts (2 of 4 stars). 4 submissions from 4 submitters: Likely benign (4). Last evaluated 2026-03-27.

Conditions:
Myofibrillar myopathy 5. Also called: Filaminopathy (type); FILAMINOPATHY, AUTOSOMAL DOMINANT. Identifiers: Orphanet 171445, MedGen C1836050, MONDO:0012289, OMIM 609524.
Distal myopathy with posterior leg and anterior hand involvement. Also called: WILLIAMS DISTAL MYOPATHY. Identifiers: Orphanet 63273, MedGen C3279722, MONDO:0013550, OMIM 614065.
Hypertrophic cardiomyopathy 26. Also called: Cardiomyopathy, familial hypertrophic, 26. Identifiers: Orphanet 75249, MedGen C4310749, MONDO:0014883, OMIM 617047.
Cardiovascular phenotype. Identifiers: MedGen CN230736.

Allele frequency attached by ClinVar (database versions not stated): TOPMed 0.00006.
gnomAD v4.1: 79 of 1,612,420 alleles (0.0049%); highest among the groups gnomAD compares: Non-Finnish European, 0.0064%; no homozygotes.

Submissions (4):

Molecular Diagnostic Laboratory for Inherited Cardiovascular Disease, Montreal Heart Institute
Classification: Likely benign. Last evaluated: 2026-03-27. Review status: criteria provided, single submitter. Criteria: ACMG Guidelines, 2015. Collection method: clinical testing. Allele origin: germline. Affected: no.
Comment: BP5

Labcorp Genetics (formerly Invitae), Labcorp
Classification: Likely benign for Distal myopathy with posterior leg and anterior hand involvement; Myofibrillar myopathy 5; Hypertrophic cardiomyopathy 26. Last evaluated: 2025-09-05. Review status: criteria provided, single submitter. Criteria: Invitae Variant Classification Sherloc (09022015). Collection method: clinical testing. Allele origin: germline.

Blueprint Genetics
Classification: Likely benign. Last evaluated: 2024-06-28. Review status: criteria provided, single submitter. Criteria: ACMG Guidelines, 2015. Collection method: clinical testing. Allele origin: germline.

Ambry Genetics
Classification: Likely benign for Cardiovascular phenotype. Last evaluated: 2022-08-30. Review status: criteria provided, single submitter. Criteria: Ambry Variant Classification Scheme 2023. Collection method: clinical testing. Allele origin: germline.

NM_001458.5(FLNC):c.851-4G>C

Gene: FLNC (filamin C; plus strand). Cytogenetic location: 7q32.1.
Variant type: single nucleotide variant.
Coding change: c.851-4G>C on transcript NM_001458.5 (MANE Select); 4 bases into the intron before coding-DNA position 851, G replaced by C.
Molecular consequence: intron variant.
Genome position (GRCh38, 1-based): chr7:128,837,633, G>C. VCF-style: chr7-128837633-G-C. GRCh37 (hg19) VCF-style: chr7-128477687-G-C.
Other names: c.851-4G>C (NM_001127487.2).
Identifiers: ClinVar variation 539512 (VCV000539512.16), dbSNP rs372747855, ClinGen allele CA4474151.